The following is an entry in ClinVar:

ClinVar aggregate classification (germline): Pathogenic (1 of 4 stars; one submission).

Conditions:
Neurofibromatosis, type 1 (NF1). Also called: VON RECKLINGHAUSEN DISEASE; NEUROFIBROMATOSIS, TYPE I, SOMATIC; Peripheral type neurofibromatosis; Neurofibromatosis, type I. Identifiers: Orphanet 636, MedGen C0027831, MONDO:0018975, OMIM 162200. Disease mechanism: loss of function.

Submission:

Labcorp Genetics (formerly Invitae), Labcorp
Classification: Pathogenic for Neurofibromatosis, type 1. Last evaluated: 2020-02-19. Review status: criteria provided, single submitter. Criteria: Invitae Variant Classification Sherloc (09022015). Collection method: clinical testing. Allele origin: germline.
Comment: For these reasons, this variant has been classified as Pathogenic. Loss-of-function variants in NF1 are known to be pathogenic (PMID: 10712197, 23913538). This variant has not been reported in the literature in individuals with NF1-related conditions. This variant is not present in population databases (ExAC no frequency). This sequence change creates a premature translational stop signal (p.Ala2007Valfs*3) in the NF1 gene. It is expected to result in an absent or disrupted protein product.

Literature cited by the submitters: PubMed 10712197; PubMed 23913538.

NM_001042492.3(NF1):c.6081_6083delinsGG (p.Ala2028fs)

Gene: NF1 (neurofibromin 1; plus strand). Cytogenetic location: 17q11.2.
Variant type: Indel.
Coding change: c.6081_6083delinsGG on transcript NM_001042492.3 (MANE Select); coding-DNA positions 6081 to 6083, AGC replaced by GG.
Protein change: p.Ala2028fs; shifts the reading frame from alanine 2028.
Molecular consequence: frameshift variant.
Genome position (GRCh38, 1-based): chr17:31,336,407-31,336,409, AGC replaced by GG. VCF-style: chr17-31336407-AGC-GG. GRCh37 (hg19) VCF-style: chr17-29663425-AGC-GG.
Other names: c.6018_6020delAGCinsGG, p.Ala2007Valfs (NM_000267.4); short protein forms A2028fs, A2007fs.
Identifiers: ClinVar variation 971989 (VCV000971989.6), dbSNP rs2069670110, ClinGen allele CA1139665400.